The following is an entry in ClinVar:

NM_001457.4(FLNB):c.292+136T>A

Gene: FLNB (filamin B; plus strand). Cytogenetic location: 3p14.3.
Variant type: single nucleotide variant.
Coding change: c.292+136T>A on transcript NM_001457.4 (MANE Select); 136 bases into the intron after coding-DNA position 292, T replaced by A.
Molecular consequence: intron variant.
Genome position (GRCh38, 1-based): chr3:58,008,992, T>A. VCF-style: chr3-58008992-T-A. GRCh37 (hg19) VCF-style: chr3-57994719-T-A.
Other names: c.292+136T>A (NM_001164317.2, NM_001164318.2, NM_001164319.2).
Identifiers: ClinVar variation 683067 (VCV000683067.2), dbSNP rs1658338, ClinGen allele CA11362474.
Genomic context (GRCh38, chr3:58,008,992, plus strand): 5'-AGGATTTCCCGCAGCGCGCCCCCACCTCGGAGATAAGGGGGAGTCGTCCCCAGGGGTGGG[T>A]TATAGGGGGCCTAGACCCCCTCCCCGGTGTCTTCCCCTGGGATGGGACCTGTTGTGATCG-3'

ClinVar aggregate classification (germline): Benign. Review status: criteria provided, multiple submitters, no conflicts (2 of 4 stars). 2 submissions from 2 submitters: Benign (2). Last evaluated 2018-06-14.

Allele frequency attached by ClinVar (database versions not stated): gnomAD exomes 0.71315; gnomAD 0.76535 and 0.76989; TOPMed 0.78344; 1000 Genomes Project 0.85723; 1000 Genomes Project 30x 0.85837.
gnomAD v4.1: 750,886 of 1,039,132 alleles (72%); highest among the groups gnomAD compares: East Asian, 96%; 276,796 homozygotes.

Submissions (2):

GeneDx
Classification: Benign. Last evaluated: 2018-06-14. Review status: criteria provided, single submitter. Criteria: GeneDx Variant Classification (06012015). Collection method: clinical testing. Allele origin: germline. Affected: yes.
Comment: This variant is considered likely benign or benign based on one or more of the following criteria: it is a conservative change, it occurs at a poorly conserved position in the protein, it is predicted to be benign by multiple in silico algorithms, and/or has population frequency not consistent with disease.

Breakthrough Genomics
Classification: Benign. Review status: criteria provided, single submitter. Criteria: ACMG Guidelines, 2015. Collection method: not provided. Allele origin: germline. Inheritance: Autosomal recessive inheritance. Affected: yes.